The following is an entry in ClinVar:

NM_001253697.2(ERBIN):c.2292T>G (p.Asn764Lys)

Gene: ERBIN (erbb2 interacting protein; plus strand). Cytogenetic location: 5q12.3.
Variant type: single nucleotide variant.
Coding change: c.2292T>G on transcript NM_001253697.2 (MANE Select); coding-DNA position 2292, T replaced by G.
Protein change: p.Asn764Lys; replaces asparagine 764 with lysine.
Molecular consequence: missense variant.
Genome position (GRCh38, 1-based): chr5:66,053,610, T>G. VCF-style: chr5-66053610-T-G. GRCh37 (hg19) VCF-style: chr5-65349438-T-G.
Other names: c.2292T>G, p.Asn764Lys (NM_001006600.3, NM_001253698.2, NM_001253699.2 and 1 more transcripts); c.2280T>G, p.Asn760Lys (NM_001253701.2); short protein forms N760K, N764K.
Identifiers: ClinVar variation 3673599 (VCV003673599.2).

ClinVar aggregate classification (germline): Uncertain significance (1 of 4 stars; one submission).

Submission:

Labcorp Genetics (formerly Invitae), Labcorp
Classification: Uncertain significance. Last evaluated: 2024-02-25. Review status: criteria provided, single submitter. Criteria: Invitae Variant Classification Sherloc (09022015). Collection method: clinical testing. Allele origin: germline.
Comment: This sequence change replaces asparagine, which is neutral and polar, with lysine, which is basic and polar, at codon 764 of the ERBIN protein (p.Asn764Lys). This variant is not present in population databases (gnomAD no frequency). This variant has not been reported in the literature in individuals affected with ERBIN-related conditions. An algorithm developed to predict the effect of missense changes on protein structure and function (PolyPhen-2) suggests that this variant is likely to be disruptive. In summary, the available evidence is currently insufficient to determine the role of this variant in disease. Therefore, it has been classified as a Variant of Uncertain Significance.